The following is an entry in ClinVar:

ClinVar aggregate classification (germline): Uncertain significance (1 of 4 stars; one submission).

Conditions:
Ataxia-telangiectasia syndrome (AT). Also called: LOUIS-BAR SYNDROME; Cerebello-oculocutaneous telangiectasia; Immunodeficiency with ataxia telangiectasia; ATAXIA-TELANGIECTASIA, COMPLEMENTATION GROUP A; ATAXIA-TELANGIECTASIA, FRESNO VARIANT; Ataxia-telangiectasia, complementation group D. Identifiers: Orphanet 100, MedGen C0004135, MONDO:0008840, OMIM 208900.

Submission:

Labcorp Genetics (formerly Invitae), Labcorp
Classification: Uncertain significance for Ataxia-telangiectasia syndrome. Last evaluated: 2024-05-29. Review status: criteria provided, single submitter. Criteria: Invitae Variant Classification Sherloc (09022015). Collection method: clinical testing. Allele origin: germline.
Comment: This sequence change replaces valine, which is neutral and non-polar, with alanine, which is neutral and non-polar, at codon 1538 of the ATM protein (p.Val1538Ala). This variant is not present in population databases (gnomAD no frequency). This variant has not been reported in the literature in individuals affected with ATM-related conditions. An algorithm developed to predict the effect of missense changes on protein structure and function (PolyPhen-2) suggests that this variant is likely to be tolerated. In summary, the available evidence is currently insufficient to determine the role of this variant in disease. Therefore, it has been classified as a Variant of Uncertain Significance.

NM_000051.4(ATM):c.4613T>C (p.Val1538Ala)

Gene: ATM (ATM serine/threonine kinase; plus strand). Cytogenetic location: 11q22.3.
Variant type: single nucleotide variant.
Coding change: c.4613T>C on transcript NM_000051.4 (MANE Select); coding-DNA position 4613, T replaced by C.
Protein change: p.Val1538Ala; replaces valine 1538 with alanine.
Molecular consequence: missense variant.
Genome position (GRCh38, 1-based): chr11:108,293,314, T>C. VCF-style: chr11-108293314-T-C. GRCh37 (hg19) VCF-style: chr11-108164041-T-C.
Other names: c.4613T>C, p.Val1538Ala (NM_001351834.2); short protein forms V1538A.
Identifiers: ClinVar variation 3655069 (VCV003655069.2).